The following is an entry in ClinVar:

NM_006204.4(PDE6C):c.2477T>C (p.Ile826Thr)

Gene: PDE6C (phosphodiesterase 6C; plus strand). Cytogenetic location: 10q23.33.
Variant type: single nucleotide variant.
Coding change: c.2477T>C on transcript NM_006204.4 (MANE Select); coding-DNA position 2477, T replaced by C.
Protein change: p.Ile826Thr; replaces isoleucine 826 with threonine.
Molecular consequence: missense variant.
Genome position (GRCh38, 1-based): chr10:93,663,137, T>C. VCF-style: chr10-93663137-T-C. GRCh37 (hg19) VCF-style: chr10-95422894-T-C.
Other names: c.2477T>C (NM_006204.3); short protein forms I826T.
Identifiers: ClinVar variation 1141366 (VCV001141366.11), dbSNP rs199790457, ClinGen allele CA5610507.
Genomic context (GRCh38, chr10:93,663,137, plus strand): 5'-AGAATAACAGAGTAGAATGGAAATCACTAGCTGATGAGTATGATGCAAAGATGAAGGTCA[T>C]TGAAGAGGAGGCAAAAAAGCAAGAAGGAGGAGCCGAAAAAGGTTAGATGGGCTCTGTTTT-3'
Protein context (NP_006195.3, residues 816-836): ADEYDAKMKV[Ile826Thr]EEEAKKQEGG

ClinVar aggregate classification (germline): Likely benign. Review status: criteria provided, multiple submitters, no conflicts (2 of 4 stars). 3 submissions from 3 submitters: Likely benign (2). 1 of the submissions does not count toward it. Last evaluated 2026-01-11.

Conditions:
PDE6C-related disorder. Also called: PDE6C-related condition.

Allele frequency attached by ClinVar (database versions not stated): TOPMed 0.00005; gnomAD 0.00006 and 0.00017; 1000 Genomes Project 30x 0.00016; 1000 Genomes Project 0.00020; gnomAD exomes 0.00024 and 0.00047; ExAC 0.00044.
gnomAD v4.1: 374 of 1,613,732 alleles (0.023%); highest among the groups gnomAD compares: South Asian, 0.32%; 3 homozygotes.

Submissions (3):

Labcorp Genetics (formerly Invitae), Labcorp
Classification: Likely benign. Last evaluated: 2026-01-11. Review status: criteria provided, single submitter. Criteria: Invitae Variant Classification Sherloc (09022015). Collection method: clinical testing. Allele origin: germline.

Blueprint Genetics
Classification: Likely benign. Last evaluated: 2024-08-16. Review status: criteria provided, single submitter. Criteria: ACMG Guidelines, 2015. Collection method: clinical testing. Allele origin: germline.

PreventionGenetics, part of Exact Sciences
Classification: Likely benign for PDE6C-related condition. Last evaluated: 2024-08-29. Review status: no assertion criteria provided. Collection method: clinical testing. Allele origin: germline. Not counted in ClinVar's aggregate classification.
Comment: This variant is classified as likely benign based on ACMG/AMP sequence variant interpretation guidelines (Richards et al. 2015 PMID: 25741868, with internal and published modifications).